The following is an entry in ClinVar:

NM_000548.5(TSC2):c.4513T>C (p.Tyr1505His)

Gene: TSC2 (TSC complex subunit 2; plus strand). Cytogenetic location: 16p13.3.
Variant type: single nucleotide variant.
Coding change: c.4513T>C on transcript NM_000548.5 (MANE Select); coding-DNA position 4513, T replaced by C.
Protein change: p.Tyr1505His; replaces tyrosine 1505 with histidine.
Molecular consequence: missense variant. On other transcripts: non-coding transcript variant (5).
Genome position (GRCh38, 1-based): chr16:2,084,970, T>C. VCF-style: chr16-2084970-T-C. GRCh37 (hg19) VCF-style: chr16-2134971-T-C.
Other names: c.4312T>C, p.Tyr1438His (NM_001077183.3); c.4444T>C, p.Tyr1482His (NM_001114382.3); c.4204T>C, p.Tyr1402His (NM_001318827.2); c.4168T>C, p.Tyr1390His (NM_001318829.2); c.3781T>C, p.Tyr1261His (NM_001318831.2); c.4345T>C, p.Tyr1449His (NM_001318832.2); c.4315T>C, p.Tyr1439His (NM_001363528.2); c.4381T>C, p.Tyr1461His (NM_001370404.1); and 26 more; short protein forms Y1285H, Y1390H, Y1432H, Y1435H, Y1445H, Y1449H, Y1469H, Y991H.
Identifiers: ClinVar variation 2866536 (VCV002866536.3), dbSNP rs2544304591, ClinGen allele CA394302749.

ClinVar aggregate classification (germline): Uncertain significance (1 of 4 stars; one submission).

Conditions:
Tuberous sclerosis 2 (TSC2). Identifiers: Orphanet 805, MedGen C1860707, MONDO:0013199, OMIM 613254.

Submission:

Labcorp Genetics (formerly Invitae), Labcorp
Classification: Uncertain significance for Tuberous sclerosis 2. Last evaluated: 2025-04-22. Review status: criteria provided, single submitter. Criteria: Invitae Variant Classification Sherloc (09022015). Collection method: clinical testing. Allele origin: germline.
Comment: This sequence change replaces tyrosine, which is neutral and polar, with histidine, which is basic and polar, at codon 1505 of the TSC2 protein (p.Tyr1505His). This variant is not present in population databases (gnomAD no frequency). This variant has not been reported in the literature in individuals affected with TSC2-related conditions. ClinVar contains an entry for this variant (Variation ID: 2866536). Invitae Evidence Modeling of protein sequence and biophysical properties (such as structural, functional, and spatial information, amino acid conservation, physicochemical variation, residue mobility, and thermodynamic stability) has been performed for this missense variant. However, the output from this modeling did not meet the statistical confidence thresholds required to predict the impact of this variant on TSC2 protein function. In summary, the available evidence is currently insufficient to determine the role of this variant in disease. Therefore, it has been classified as a Variant of Uncertain Significance.